The following is an entry in ClinVar:

NM_021076.4(NEFH):c.1090A>G (p.Ile364Val)

Gene: NEFH (neurofilament heavy chain; plus strand). Cytogenetic location: 22q12.2.
Variant type: single nucleotide variant.
Coding change: c.1090A>G on transcript NM_021076.4 (MANE Select); coding-DNA position 1090, A replaced by G.
Protein change: p.Ile364Val; replaces isoleucine 364 with valine.
Molecular consequence: missense variant.
Genome position (GRCh38, 1-based): chr22:29,485,729, A>G. VCF-style: chr22-29485729-A-G. GRCh37 (hg19) VCF-style: chr22-29881718-A-G.
Other names: short protein forms I364V.
Identifiers: ClinVar variation 1789133 (VCV001789133.7), dbSNP rs1394854710, ClinGen allele CA411126819.

ClinVar aggregate classification (germline): Uncertain significance. Review status: criteria provided, multiple submitters, no conflicts (2 of 4 stars). 2 submissions from 2 submitters: Uncertain significance (2). Last evaluated 2022-07-04.

Conditions:
Inborn genetic diseases. Identifiers: MedGen C0950123, MeSH D030342.

Allele frequency attached by ClinVar (database versions not stated): gnomAD exomes below 0.00001; TOPMed 0.00001.

Submissions (2):

Labcorp Genetics (formerly Invitae), Labcorp
Classification: Uncertain significance. Last evaluated: 2022-07-04. Review status: criteria provided, single submitter. Criteria: Invitae Variant Classification Sherloc (09022015). Collection method: clinical testing. Allele origin: germline.
Comment: In summary, the available evidence is currently insufficient to determine the role of this variant in disease. Therefore, it has been classified as a Variant of Uncertain Significance. Advanced modeling of protein sequence and biophysical properties (such as structural, functional, and spatial information, amino acid conservation, physicochemical variation, residue mobility, and thermodynamic stability) performed at Invitae indicates that this missense variant is not expected to disrupt NEFH protein function. This variant has not been reported in the literature in individuals affected with NEFH-related conditions. This variant is not present in population databases (gnomAD no frequency). This sequence change replaces isoleucine, which is neutral and non-polar, with valine, which is neutral and non-polar, at codon 364 of the NEFH protein (p.Ile364Val).

Ambry Genetics
Classification: Uncertain significance for Inborn genetic diseases. Last evaluated: 2021-08-09. Review status: criteria provided, single submitter. Criteria: Ambry Variant Classification Scheme 2023. Collection method: clinical testing. Allele origin: germline.
Comment: The p.I364V variant (also known as c.1090A>G), located in coding exon 3 of the NEFH gene, results from an A to G substitution at nucleotide position 1090. The isoleucine at codon 364 is replaced by valine, an amino acid with highly similar properties. This amino acid position is conserved. In addition, the in silico prediction for this alteration is inconclusive. Since supporting evidence is limited at this time, the clinical significance of this alteration remains unclear.